The following is an entry in ClinVar:

ClinVar aggregate classification (germline): Benign. Review status: criteria provided, multiple submitters, no conflicts (2 of 4 stars). 3 submissions from 3 submitters: Benign (2). 1 of the submissions does not count toward it. Last evaluated 2019-12-31.

Conditions:
DNAH7-related disorder. Also called: DNAH7-related condition.

Allele frequency attached by ClinVar (database versions not stated): gnomAD exomes 0.00083 and 0.00199; ExAC 0.00262; 1000 Genomes Project 0.00799; ESP Exome Variant Server 0.00833; 1000 Genomes Project 30x 0.00843; gnomAD 0.00851 and 0.00919; TOPMed 0.00931.
gnomAD v4.1: 2,574 of 1,613,960 alleles (0.16%); highest among the groups gnomAD compares: African/African-American, 3%; 37 homozygotes.

Submissions (3):

Labcorp Genetics (formerly Invitae), Labcorp
Classification: Benign. Last evaluated: 2019-12-31. Review status: criteria provided, single submitter. Criteria: Invitae Variant Classification Sherloc (09022015). Collection method: clinical testing. Allele origin: germline.

Breakthrough Genomics
Classification: Benign. Review status: criteria provided, single submitter. Criteria: ACMG Guidelines, 2015. Collection method: not provided. Allele origin: germline. Inheritance: Unknown mechanism. Affected: yes.

PreventionGenetics, part of Exact Sciences
Classification: Likely benign for DNAH7-related condition. Last evaluated: 2020-02-26. Review status: no assertion criteria provided. Collection method: clinical testing. Allele origin: germline. Not counted in ClinVar's aggregate classification.
Comment: This variant is classified as likely benign based on ACMG/AMP sequence variant interpretation guidelines (Richards et al. 2015 PMID: 25741868, with internal and published modifications).

NM_018897.3(DNAH7):c.9985G>A (p.Asp3329Asn)

Gene: DNAH7 (dynein axonemal heavy chain 7; minus strand). Cytogenetic location: 2q32.3.
Variant type: single nucleotide variant.
Coding change: c.9985G>A on transcript NM_018897.3 (MANE Select); coding-DNA position 9985, G replaced by A.
Protein change: p.Asp3329Asn; replaces aspartic acid 3329 with asparagine.
Molecular consequence: missense variant.
Genome position (GRCh38, 1-based): chr2:195,808,780, C>T on the plus strand (G>A on the coding strand, the complement: DNAH7 is on the minus strand). VCF-style: chr2-195808780-C-T. GRCh37 (hg19) VCF-style: chr2-196673504-C-T.
Other names: short protein forms D3329N.
Identifiers: ClinVar variation 788641 (VCV000788641.7), dbSNP rs77808386, ClinGen allele CA2034226.
Genomic context (GRCh38, chr2:195,808,780, plus strand): 5'-GCATAAACTCTCTACGAATGGTTTTGAAGGCAGGCAAATCATCTAATCGACATATTTCAT[C>T]CCAGGATTTCTGAGGAAGCCATGTACAAAGGTTGGCATAAGGATTATCCAGTCCAATGCC-3'
Protein context (NP_061720.2, residues 3319-3339): LCTWLPQKSW[Asp3329Asn]EICRLDDLPA